The following is an entry in ClinVar:

NM_006185.4(NUMA1):c.5654G>A (p.Arg1885His)

Genes: IL18BP (interleukin 18 binding protein; plus strand), NUMA1 (nuclear mitotic apparatus protein 1; minus strand). Cytogenetic location: 11q13.4.
Variant type: single nucleotide variant.
Coding change: c.5654G>A on transcript NM_006185.4 (MANE Select); coding-DNA position 5654, G replaced by A.
Protein change: p.Arg1885His; replaces arginine 1885 with histidine.
Molecular consequence: missense variant. On other transcripts: non-coding transcript variant (1).
Genome position (GRCh38, 1-based): chr11:72,006,073, C>T on the plus strand (G>A on the coding strand, the complement: NUMA1 is on the minus strand). VCF-style: chr11-72006073-C-T. GRCh37 (hg19) VCF-style: chr11-71717119-C-T.
Other names: c.5612G>A, p.Arg1871His (NM_001286561.2); short protein forms R1871H, R1885H.
Identifiers: ClinVar variation 4083957 (VCV004083957.8).
Genomic context (GRCh38, chr11:72,006,073, plus strand): 5'-TAAGTCCCTGTAGTCCCCTCACCTGGAGGGGCCCCACTGGACACCCCGGCCTGGGAACGA[C>T]GAGCAGAACTGCGAGTGGTGGGGCGGTAGCCAGGCAAGCTGAGCAGGGCTGAGTTGCCAT-3'
Protein context (NP_006176.2, residues 1875-1895): GYRPTTRSSA[Arg1885His]RSQAGVSSGA

ClinVar aggregate classification (germline): Likely benign (1 of 4 stars; one submission).

gnomAD v4.1: 123 of 1,613,770 alleles (0.0076%); highest among the groups gnomAD compares: African/African-American, 0.1%; no homozygotes.

Submission:

CeGaT Center for Human Genetics Tuebingen
Classification: Likely benign. Last evaluated: 2025-08-01. Review status: criteria provided, single submitter. Criteria: CeGaT Center For Human Genetics Tuebingen Variant Classification Criteria Version 2. Collection method: clinical testing. Allele origin: germline. Affected: yes. Observed: 1 variant allele.
Comment: NUMA1: BP4